The following is an entry in ClinVar:

ClinVar aggregate classification (germline): Uncertain significance (1 of 4 stars; one submission).

Conditions:
Charcot-Marie-Tooth disease type 2. Also called: Charcot-Marie-Tooth type 2. Identifiers: Orphanet 64746, MedGen C0270914, MONDO:0018993.

Submission:

Labcorp Genetics (formerly Invitae), Labcorp
Classification: Uncertain significance for Charcot-Marie-Tooth disease type 2. Last evaluated: 2022-01-31. Review status: criteria provided, single submitter. Criteria: Invitae Variant Classification Sherloc (09022015). Collection method: clinical testing. Allele origin: germline.
Comment: In summary, the available evidence is currently insufficient to determine the role of this variant in disease. Therefore, it has been classified as a Variant of Uncertain Significance. Algorithms developed to predict the effect of missense changes on protein structure and function are either unavailable or do not agree on the potential impact of this missense change (SIFT: "Tolerated"; PolyPhen-2: "Probably Damaging"; Align-GVGD: "Class C0"). This variant has not been reported in the literature in individuals affected with MED25-related conditions. This variant is not present in population databases (gnomAD no frequency). This sequence change replaces threonine, which is neutral and polar, with alanine, which is neutral and non-polar, at codon 159 of the MED25 protein (p.Thr159Ala).

NM_030973.4(MED25):c.475A>G (p.Thr159Ala)

Gene: MED25 (mediator complex subunit 25; plus strand). Cytogenetic location: 19q13.33.
Variant type: single nucleotide variant.
Coding change: c.475A>G on transcript NM_030973.4 (MANE Select); coding-DNA position 475, A replaced by G.
Protein change: p.Thr159Ala; replaces threonine 159 with alanine.
Molecular consequence: missense variant.
Genome position (GRCh38, 1-based): chr19:49,829,040, A>G. VCF-style: chr19-49829040-A-G. GRCh37 (hg19) VCF-style: chr19-50332297-A-G.
Other names: c.475A>G, p.Thr159Ala (NM_001378355.1); short protein forms T159A.
Identifiers: ClinVar variation 2091290 (VCV002091290.4), dbSNP rs2514509004, ClinGen allele CA406912290.